The following is an entry in ClinVar:

ClinVar aggregate classification (germline): Pathogenic/Likely pathogenic. Review status: criteria provided, multiple submitters, no conflicts (2 of 4 stars). 2 submissions from 2 submitters: Pathogenic (1); Likely pathogenic (1). Last evaluated 2020-08-30.

Conditions:
Progressive sclerosing poliodystrophy (MTDPS4A). Also called: Mitochondrial DNA depletion syndrome 4A (Alpers type); Alpers Syndrome; ALPERS DIFFUSE DEGENERATION OF CEREBRAL GRAY MATTER WITH HEPATIC CIRRHOSIS; Mitochondrial DNA Depletion Syndrome 4A; Alpers-Huttenlocher Syndrome (AHS); ALPERS PROGRESSIVE INFANTILE POLIODYSTROPHY. Identifiers: Orphanet 726, MedGen C0205710, MONDO:0008758, OMIM 203700.

Submissions (2):

Labcorp Genetics (formerly Invitae), Labcorp
Classification: Pathogenic for Progressive sclerosing poliodystrophy. Last evaluated: 2020-08-30. Review status: criteria provided, single submitter. Criteria: Invitae Variant Classification Sherloc (09022015). Collection method: clinical testing. Allele origin: germline.
Comment: For these reasons, this variant has been classified as Pathogenic. Loss-of-function variants in POLG are known to be pathogenic (PMID: 18546365). This variant has not been reported in the literature in individuals with POLG-related conditions. ClinVar contains an entry for this variant (Variation ID: 420842). This variant is not present in population databases (ExAC no frequency). This sequence change creates a premature translational stop signal (p.Leu127Profs*137) in the POLG gene. It is expected to result in an absent or disrupted protein product.

GeneDx
Classification: Likely pathogenic. Last evaluated: 2016-03-29. Review status: criteria provided, single submitter. Criteria: GeneDx Variant Classification (06012015). Collection method: clinical testing. Allele origin: germline. Affected: yes.
Comment: The c.380_386delTGCCGCC variant in the POLG gene has not been reported previously as a pathogenic variant nor as a benign variant, to our knowledge. The c.380_386delTGCCGCC variant causes a frameshift starting with codon Leucine 127, changes this amino acid to a Proline residue, and creates a premature Stop codon at position 137 of the new reading frame, denoted p.Leu127ProfsX137. This variant is predicted to cause loss of normal protein function either through protein truncation or nonsense-mediated mRNA decay. The c.380_386delTGCCGCC variant was not observed in approximately 6,400 individuals of European and African American ancestry in the NHLBI Exome Sequencing Project, indicating it is not a common benign variant in these populations. The c.380_386delTGCCGCC variant is a strong candidate for a pathogenic variant, however the possibility it may be a rare benign variant cannot be excluded.

Literature cited by the submitters: PubMed 18546365 (cited by Labcorp Genetics (formerly Invitae), Labcorp).

NM_002693.3(POLG):c.380_386del (p.Leu127fs)

Genes: POLG (DNA polymerase gamma, catalytic subunit; minus strand), POLGARF (POLG alternative reading frame; minus strand). Cytogenetic location: 15q26.1.
Variant type: Deletion.
Coding change: c.380_386del on transcript NM_002693.3 (MANE Select); coding-DNA positions 380 to 386, 7 bases deleted (TGCCGCC; older notation c.380_386delTGCCGCC).
Protein change: p.Leu127fs; shifts the reading frame from leucine 127.
Molecular consequence: frameshift variant.
Genome position (GRCh38, 1-based): chr15:89,333,369-89,333,375, GGCGGCA deleted on the plus strand (TGCCGCC on the coding strand, the reverse complement: POLG is on the minus strand); deleting any 7 consecutive bases within chr15:89,333,369-89,333,379 gives the same sequence; the c. name uses the placement nearest the transcript's 3' end. VCF-style (leftmost placement, unchanged base first): chr15-89333368-GGGCGGCA-G. GRCh37 (hg19) VCF-style: chr15-89876599-GGGCGGCA-G.
Other names: c.380_386del, p.Leu127fs (NM_001126131.2); c.380_386delTGCCGCC (NM_002693.2); short protein forms L127fs.
Identifiers: ClinVar variation 420842 (VCV000420842.9), dbSNP rs1064794735, ClinGen allele CA16620026.